The following is an entry in ClinVar:

NM_001267550.2(TTN):c.3523+117G>T

Gene: TTN (titin; minus strand). Cytogenetic location: 2q31.2.
Variant type: single nucleotide variant.
Coding change: c.3523+117G>T on transcript NM_001267550.2 (MANE Select); 117 bases into the intron after coding-DNA position 3523, G replaced by T.
Molecular consequence: intron variant.
Genome position (GRCh38, 1-based): chr2:178,781,004, C>A on the plus strand (G>T on the coding strand, the complement: TTN is on the minus strand). VCF-style: chr2-178781004-C-A. GRCh37 (hg19) VCF-style: chr2-179645731-C-A.
Other names: c.3523+117G>T (NM_001256850.1, NM_133378.4, NM_133379.5); c.3385+117G>T (NM_003319.4, NM_133437.4, NM_133432.3).
Identifiers: ClinVar variation 673085 (VCV000673085.2), dbSNP rs12464703, ClinGen allele CA11091764.

ClinVar aggregate classification (germline): Benign. Review status: criteria provided, multiple submitters, no conflicts (2 of 4 stars). 2 submissions from 2 submitters: Benign (2). Last evaluated 2018-06-19.

Allele frequency attached by ClinVar (database versions not stated): gnomAD 0.04851; TOPMed 0.05821; 1000 Genomes Project 30x 0.07573; 1000 Genomes Project 0.07588.
gnomAD v4.1: 74,173 of 1,412,090 alleles (5.3%); highest among the groups gnomAD compares: Admixed American, 20%; 3,393 homozygotes.

Submissions (2):

GeneDx
Classification: Benign. Last evaluated: 2018-06-19. Review status: criteria provided, single submitter. Criteria: GeneDx Variant Classification (06012015). Collection method: clinical testing. Allele origin: germline. Affected: yes.
Comment: This variant is considered likely benign or benign based on one or more of the following criteria: it is a conservative change, it occurs at a poorly conserved position in the protein, it is predicted to be benign by multiple in silico algorithms, and/or has population frequency not consistent with disease.

Breakthrough Genomics
Classification: Benign. Review status: criteria provided, single submitter. Criteria: ACMG Guidelines, 2015. Collection method: not provided. Allele origin: germline. Inheritance: Autosomal recessive inheritance. Affected: yes.